The following is an entry in ClinVar:

ClinVar aggregate classification (germline): Pathogenic (1 of 4 stars; one submission).

Submission:

Labcorp Genetics (formerly Invitae), Labcorp
Classification: Pathogenic. Last evaluated: 2023-07-18. Review status: criteria provided, single submitter. Criteria: Invitae Variant Classification Sherloc (09022015). Collection method: clinical testing. Allele origin: germline.
Comment: For these reasons, this variant has been classified as Pathogenic. This variant has not been reported in the literature in individuals affected with RP2-related conditions. This variant is not present in population databases (gnomAD no frequency). This sequence change creates a premature translational stop signal (p.Val100*) in the RP2 gene. It is expected to result in an absent or disrupted protein product. Loss-of-function variants in RP2 are known to be pathogenic (PMID: 11992260, 20625056).

Literature cited by the submitters: PubMed 11992260; PubMed 20625056.

NM_006915.3(RP2):c.297_298insTA (p.Val100Ter)

Gene: RP2 (RP2 activator of ARL3 GTPase; plus strand). Cytogenetic location: Xp11.3.
Variant type: Insertion.
Coding change: c.297_298insTA on transcript NM_006915.3 (MANE Select); coding-DNA positions 297 to 298, TA inserted.
Protein change: p.Val100Ter; replaces valine 100 with a stop codon.
Molecular consequence: nonsense.
Genome position: GRCh38 VCF-style: chrX-46853670-C-CTA. GRCh37 (hg19) VCF-style: chrX-46713105-C-CTA.
Other names: short protein forms V100*.
Identifiers: ClinVar variation 2744612 (VCV002744612.3), dbSNP rs2519914116, ClinGen allele CA2697553066.
Genomic context (GRCh38, chrX:46,853,670, plus strand): 5'-TACAGTTACCATTGATGACTGTACTAACTGCATAATTTTTCTGGGACCCGTGAAAGGCAG[C>CTA]GTGTTTTTCCGGAATTGCAGAGATTGCAAGTGCACATTAGCCTGCCAACAATTTCGTGTG-3'